The following is an entry in ClinVar:

NM_177438.3(DICER1):c.2303G>A (p.Cys768Tyr)

Gene: DICER1 (dicer 1, ribonuclease III; minus strand). Cytogenetic location: 14q32.13.
Variant type: single nucleotide variant.
Coding change: c.2303G>A on transcript NM_177438.3 (MANE Select); coding-DNA position 2303, G replaced by A.
Protein change: p.Cys768Tyr; replaces cysteine 768 with tyrosine.
Molecular consequence: missense variant.
Genome position (GRCh38, 1-based): chr14:95,108,457, C>T on the plus strand (G>A on the coding strand, the complement: DICER1 is on the minus strand). VCF-style: chr14-95108457-C-T. GRCh37 (hg19) VCF-style: chr14-95574794-C-T.
Other names: c.2303G>A, p.Cys768Tyr (NM_001195573.1, NM_001271282.3, NM_001291628.2 and 1 more transcripts); short protein forms C768Y.
Identifiers: ClinVar variation 1007318 (VCV001007318.12), dbSNP rs1891659082, ClinGen allele CA390882339.

ClinVar aggregate classification (germline): Uncertain significance. Review status: criteria provided, multiple submitters, no conflicts (2 of 4 stars). 2 submissions from 2 submitters: Uncertain significance (2). Last evaluated 2024-04-04.

Conditions:
DICER1-related tumor predisposition. Also called: DICER1 syndrome; DICER1-related pleuropulmonary blastoma cancer predisposition syndrome. Identifiers: Orphanet 284343, MedGen C3839822, MONDO:0100216.
Hereditary cancer-predisposing syndrome. Also called: Hereditary neoplastic syndrome; Neoplastic Syndromes, Hereditary; Tumor predisposition; Hereditary Cancer Syndrome. Identifiers: Orphanet 140162, MedGen C0027672, MeSH D009386, MONDO:0015356.

Allele frequency attached by ClinVar (database versions not stated): gnomAD exomes 0.00001.
gnomAD v4.1: 4 of 1,614,062 alleles (0.00025%); highest among the groups gnomAD compares: Non-Finnish European, 0.00017%; no homozygotes.

Submissions (2):

Labcorp Genetics (formerly Invitae), Labcorp
Classification: Uncertain significance for DICER1-related tumor predisposition. Last evaluated: 2024-04-04. Review status: criteria provided, single submitter. Criteria: Invitae Variant Classification Sherloc (09022015). Collection method: clinical testing. Allele origin: germline.
Comment: This sequence change replaces cysteine, which is neutral and slightly polar, with tyrosine, which is neutral and polar, at codon 768 of the DICER1 protein (p.Cys768Tyr). This variant is not present in population databases (gnomAD no frequency). This variant has not been reported in the literature in individuals affected with DICER1-related conditions. ClinVar contains an entry for this variant (Variation ID: 1007318). Advanced modeling of protein sequence and biophysical properties (such as structural, functional, and spatial information, amino acid conservation, physicochemical variation, residue mobility, and thermodynamic stability) performed at Invitae indicates that this missense variant is not expected to disrupt DICER1 protein function with a negative predictive value of 80%. In summary, the available evidence is currently insufficient to determine the role of this variant in disease. Therefore, it has been classified as a Variant of Uncertain Significance.

Ambry Genetics
Classification: Uncertain significance for Hereditary cancer-predisposing syndrome. Last evaluated: 2019-11-22. Review status: criteria provided, single submitter. Criteria: Ambry Variant Classification Scheme 2023. Collection method: clinical testing. Allele origin: germline.
Comment: The p.C768Y variant (also known as c.2303G>A), located in coding exon 14 of the DICER1 gene, results from a G to A substitution at nucleotide position 2303. The cysteine at codon 768 is replaced by tyrosine, an amino acid with highly dissimilar properties. This amino acid position is well conserved in available vertebrate species. In addition, the in silico prediction for this alteration is inconclusive. Since supporting evidence is limited at this time, the clinical significance of this alteration remains unclear.